The following is an entry in ClinVar:

ClinVar aggregate classification (germline): Uncertain significance (1 of 4 stars; one submission).

Conditions:
Emery-Dreifuss muscular dystrophy 4, autosomal dominant (EDMD4). Also called: EMERY-DREIFUSS MUSCULAR DYSTROPHY 4 WITH VARIABLE FEATURES. Identifiers: Orphanet 261, MedGen C2751807, MONDO:0013071, OMIM 612998.
Autosomal recessive ataxia, Beauce type. Also called: SYNE1 Deficiency; Spinocerebellar ataxia, autosomal recessive 8; ATAXIA, RECESSIVE, OF BEAUCE; SYNE1-Related Autosomal Recessive Cerebellar Ataxia. Identifiers: Orphanet 88644, MedGen C1853116, MONDO:0012549, OMIM 610743.

Submission:

Labcorp Genetics (formerly Invitae), Labcorp
Classification: Uncertain significance for Emery-Dreifuss muscular dystrophy 4, autosomal dominant; Autosomal recessive ataxia, Beauce type. Last evaluated: 2025-11-03. Review status: criteria provided, single submitter. Criteria: Invitae Variant Classification Sherloc (09022015). Collection method: clinical testing. Allele origin: germline.
Comment: This sequence change replaces asparagine, which is neutral and polar, with aspartic acid, which is acidic and polar, at codon 5699 of the SYNE1 protein (p.Asn5699Asp). This variant is not present in population databases (gnomAD no frequency). This variant has not been reported in the literature in individuals affected with SYNE1-related conditions. ClinVar contains an entry for this variant (Variation ID: 1979811). An algorithm developed to predict the effect of missense changes on protein structure and function outputs the following: PolyPhen-2: "Benign". The aspartic acid amino acid residue is found in multiple mammalian species, which suggests that this missense change does not adversely affect protein function. In summary, the available evidence is currently insufficient to determine the role of this variant in disease. Therefore, it has been classified as a Variant of Uncertain Significance.

NM_182961.4(SYNE1):c.17308A>G (p.Asn5770Asp)

Gene: SYNE1 (spectrin repeat containing nuclear envelope protein 1; minus strand). Cytogenetic location: 6q25.2.
Variant type: single nucleotide variant.
Coding change: c.17308A>G on transcript NM_182961.4 (MANE Select); coding-DNA position 17308, A replaced by G.
Protein change: p.Asn5770Asp; replaces asparagine 5770 with aspartic acid.
Molecular consequence: missense variant.
Genome position (GRCh38, 1-based): chr6:152,308,527, T>C on the plus strand (A>G on the coding strand, the complement: SYNE1 is on the minus strand). VCF-style: chr6-152308527-T-C. GRCh37 (hg19) VCF-style: chr6-152629662-T-C.
Other names: c.17095A>G, p.Asn5699Asp (NM_033071.5); short protein forms N5770D, N5699D.
Identifiers: ClinVar variation 1979811 (VCV001979811.4), dbSNP rs2552092325, ClinGen allele CA366105273.